The following is an entry in ClinVar:

ClinVar aggregate classification (germline): Benign. Review status: criteria provided, multiple submitters, no conflicts (2 of 4 stars). 3 submissions from 3 submitters: Benign (3). Last evaluated 2025-10-02.

Conditions:
Age related macular degeneration 4. Identifiers: MedGen C1853147, MONDO:0012540, OMIM 610698.
Basal laminar drusen. Also called: DRUSEN OF BRUCH MEMBRANE; DRUSEN, CUTICULAR; DRUSEN, EARLY ADULT-ONSET, GROUPED. Identifiers: Orphanet 75376, MedGen C0730295, MONDO:0007472, OMIM 126700.
Factor H deficiency (CFHD). Also called: CFH DEFICIENCY; COMPLEMENT FACTOR H DEFICIENCY. Identifiers: Orphanet 200421, MedGen C0398777, MONDO:0012350, OMIM 609814.
Atypical hemolytic-uremic syndrome. Identifiers: Orphanet 2134, MedGen C2931788, MONDO:0016244.

Allele frequency attached by ClinVar (database versions not stated): TOPMed 0.71319; 1000 Genomes Project 30x 0.77889; 1000 Genomes Project 0.78155; gnomAD 0.68743 and 0.69256.
gnomAD v4.1: 946,075 of 1,460,808 alleles (65%); highest among the groups gnomAD compares: East Asian, 94%; 311,594 homozygotes.

Submissions (5):

Genomenon, Inc
Classification: Benign for Basal laminar drusen; Age related macular degeneration 4; Atypical hemolytic-uremic syndrome; Factor H deficiency. Last evaluated: 2025-10-02. Review status: criteria provided, single submitter. Criteria: Genomenon Sequence Variant Interpretation Standards - Updated. Collection method: curation. Allele origin: germline. Affected: no.
Comment: CFH c.965-53G>T is an intronic variant located in intron 7. This variant is present at high allele frequency in population databases. In conclusion, we classify CFH c.965-53G>T as a benign variant.

GeneDx
Classification: Benign. Last evaluated: 2021-05-10. Review status: criteria provided, single submitter. Criteria: GeneDx Variant Classification Process June 2021. Collection method: clinical testing. Allele origin: germline. Affected: yes.

Breakthrough Genomics
Classification: Benign. Review status: criteria provided, single submitter. Criteria: ACMG Guidelines, 2015. Collection method: not provided. Allele origin: germline. Inheritance: Autosomal recessive inheritance. Affected: yes.

Dr. Peter K. Rogan Lab, Western University
No classification provided (evidence only). Condition: Hepatocellular carcinoma. Review status: no classification provided. Collection method: in vitro. Allele origin: not applicable. Functional consequence: skipped exon. Not counted in ClinVar's aggregate classification.

Dr. Peter K. Rogan Lab, Western University
No classification provided (evidence only). Condition: Hepatocellular carcinoma. Review status: no classification provided. Collection method: in vitro. Allele origin: not applicable. Functional consequence: retained intron. Not counted in ClinVar's aggregate classification.

NM_000186.4(CFH):c.965-53G>T

Gene: CFH (complement factor H; plus strand). Cytogenetic location: 1q31.3.
Variant type: single nucleotide variant.
Coding change: c.965-53G>T on transcript NM_000186.4 (MANE Select); 53 bases into the intron before coding-DNA position 965, G replaced by T.
Molecular consequence: intron variant.
Genome position (GRCh38, 1-based): chr1:196,689,367, G>T. VCF-style: chr1-196689367-G-T. GRCh37 (hg19) VCF-style: chr1-196658497-G-T.
Other names: NC_000001.10:g.196658497G>T; c.965-53G>T (NM_001014975.3).
Identifiers: ClinVar variation 1276326 (VCV001276326.4), dbSNP rs482934, ClinGen allele CA15146268.
Genomic context (GRCh38, chr1:196,689,367, plus strand): 5'-ATGTGTAATTATACTAAGAAGAGAATATAATTCAGTGATAAAAATTTATCTCTAATATGA[G>T]TGTTTATTACAGTAAAATTTCTTTATACTTTTTTTAAAATTTTTATTGCAAGTGAAACCT-3'